The following is an entry in ClinVar:

NM_016038.4(SBDS):c.419T>A (p.Ile140Asn)

Gene: SBDS (SBDS ribosome maturation factor; minus strand). Cytogenetic location: 7q11.21.
Variant type: single nucleotide variant.
Coding change: c.419T>A on transcript NM_016038.4 (MANE Select); coding-DNA position 419, T replaced by A.
Protein change: p.Ile140Asn; replaces isoleucine 140 with asparagine.
Molecular consequence: missense variant.
Genome position (GRCh38, 1-based): chr7:66,993,257, A>T on the plus strand (T>A on the coding strand, the complement: SBDS is on the minus strand). VCF-style: chr7-66993257-A-T. GRCh37 (hg19) VCF-style: chr7-66458244-A-T.
Other names: short protein forms I140N.
Identifiers: ClinVar variation 5029041 (VCV005029041.1).

ClinVar aggregate classification (germline): Uncertain significance (1 of 4 stars; one submission).

Conditions:
Inborn genetic diseases. Identifiers: MedGen C0950123, MeSH D030342.

Submission:

Ambry Genetics
Classification: Uncertain significance for Inborn genetic diseases. Last evaluated: 2026-08-29. Review status: criteria provided, single submitter. Criteria: Ambry Variant Classification Scheme 2023. Collection method: clinical testing. Allele origin: germline.
Comment: The p.I140N variant (also known as c.419T>A), located in coding exon 3 of the SBDS gene, results from a T to A substitution at nucleotide position 419. The isoleucine at codon 140 is replaced by asparagine, an amino acid with dissimilar properties. This amino acid position is conserved. In addition, this alteration is predicted to be deleterious by in silico analysis. Based on the available evidence, the clinical significance of this variant remains unclear.